The following is an entry in ClinVar:

ClinVar aggregate classification (germline): Uncertain significance. Review status: criteria provided, multiple submitters, no conflicts (2 of 4 stars). 2 submissions from 2 submitters: Uncertain significance (2). Last evaluated 2026-01-20.

Conditions:
Inborn genetic diseases. Identifiers: MedGen C0950123, MeSH D030342.

Allele frequency attached by ClinVar (database versions not stated): gnomAD 0.00003; TOPMed 0.00003; ExAC 0.00005; gnomAD exomes 0.00006 and 0.00016; ESP Exome Variant Server 0.00008.
gnomAD v4.1: 229 of 1,613,852 alleles (0.014%); highest among the groups gnomAD compares: Non-Finnish European, 0.019%; no homozygotes.

Submissions (2):

Labcorp Genetics (formerly Invitae), Labcorp
Classification: Uncertain significance. Last evaluated: 2026-01-20. Review status: criteria provided, single submitter. Criteria: Invitae Variant Classification Sherloc (09022015). Collection method: clinical testing. Allele origin: germline.
Comment: This sequence change replaces glutamic acid, which is acidic and polar, with glycine, which is neutral and non-polar, at codon 41 of the SYT2 protein (p.Glu41Gly). This variant is present in population databases (rs144131984, gnomAD 0.009%). This variant has not been reported in the literature in individuals affected with SYT2-related conditions. ClinVar contains an entry for this variant (Variation ID: 1412271). An algorithm developed to predict the effect of missense changes on protein structure and function outputs the following: PolyPhen-2: "Benign". The glycine amino acid residue is found in multiple mammalian species, which suggests that this missense change does not adversely affect protein function. In summary, the available evidence is currently insufficient to determine the role of this variant in disease. Therefore, it has been classified as a Variant of Uncertain Significance.

Ambry Genetics
Classification: Uncertain significance for Inborn genetic diseases. Last evaluated: 2025-11-24. Review status: criteria provided, single submitter. Criteria: Ambry Variant Classification Scheme 2023. Collection method: clinical testing. Allele origin: germline.

NM_177402.5(SYT2):c.122A>G (p.Glu41Gly)

Gene: SYT2 (synaptotagmin 2; minus strand). Cytogenetic location: 1q32.1.
Variant type: single nucleotide variant.
Coding change: c.122A>G on transcript NM_177402.5 (MANE Select); coding-DNA position 122, A replaced by G.
Protein change: p.Glu41Gly; replaces glutamic acid 41 with glycine.
Molecular consequence: missense variant.
Genome position (GRCh38, 1-based): chr1:202,605,651, T>C on the plus strand (A>G on the coding strand, the complement: SYT2 is on the minus strand). VCF-style: chr1-202605651-T-C. GRCh37 (hg19) VCF-style: chr1-202574779-T-C.
Other names: c.122A>G, p.Glu41Gly (NM_001136504.1); short protein forms E41G.
Identifiers: ClinVar variation 1412271 (VCV001412271.8), dbSNP rs144131984, ClinGen allele CA1333864.